The following is an entry in ClinVar:

NM_000271.5(NPC1):c.2292G>A (p.Ala764=)

Gene: NPC1 (NPC intracellular cholesterol transporter 1; minus strand). Cytogenetic location: 18q11.2.
Variant type: single nucleotide variant.
Coding change: c.2292G>A on transcript NM_000271.5 (MANE Select); coding-DNA position 2292, G replaced by A.
Protein change: p.Ala764=; no amino-acid change (alanine 764 retained).
Molecular consequence: synonymous variant.
Genome position (GRCh38, 1-based): chr18:23,541,387, C>T on the plus strand (G>A on the coding strand, the complement: NPC1 is on the minus strand). VCF-style: chr18-23541387-C-T. GRCh37 (hg19) VCF-style: chr18-21121351-C-T.
Other names: p.Ala764=.
Identifiers: ClinVar variation 593560 (VCV000593560.19), dbSNP rs772565983, ClinGen allele CA8913150.
Genomic context (GRCh38, chr18:23,541,387, plus strand): 5'-CCCCAAGAGACTCACGAAACAGGTAATCTGCAGAAGAAAGTCAATGAAGACTGCCAATCC[C>T]GCAAAGAGAGAGAAGGTGTGCACGGCTGGCATCACGGACAATGCTCCTGTCGGGGAGAGA-3'
Protein context (NP_000262.2, residues 754-774): MPAVHTFSLF[Ala764=]GLAVFIDFLL

ClinVar aggregate classification (germline): Conflicting classifications of pathogenicity. Review status: criteria provided, conflicting classifications (1 of 4 stars). 7 submissions from 7 submitters: Pathogenic (5); Uncertain significance (1). 1 of the submissions does not count toward it. Last evaluated 2025-11-06.

Conditions:
Niemann-Pick disease, type C1. Also called: NIEMANN-PICK DISEASE, VARIANT TYPE C1; NEUROVISCERAL STORAGE DISEASE WITH VERTICAL SUPRANUCLEAR OPHTHALMOPLEGIA; NIEMANN-PICK DISEASE WITH CHOLESTEROL ESTERIFICATION BLOCK; NIEMANN-PICK DISEASE WITHOUT SPHINGOMYELINASE DEFICIENCY; NIEMANN-PICK DISEASE, CHRONIC NEURONOPATHIC FORM. Identifiers: Orphanet 646, MedGen C3179455, MONDO:0009757, OMIM 257220.

Allele frequency attached by ClinVar (database versions not stated): gnomAD 0.00001; gnomAD exomes 0.00001 and 0.00002; TOPMed 0.00001; ExAC 0.00002.
gnomAD v4.1: 10 of 1,614,078 alleles (0.00062%); highest among the groups gnomAD compares: Admixed American, 0.0017%; no homozygotes.

Submissions (7):

Mayo Clinic Laboratories, Mayo Clinic
Classification: Pathogenic. Last evaluated: 2025-11-06. Review status: criteria provided, single submitter. Criteria: ACMG Guidelines, 2015. Collection method: clinical testing. Allele origin: germline. Observed: 1 variant allele.
Comment: PP4, PM2_supporting, PM3_strong, PS4_moderate, PVS1_moderate

Dasa
Classification: Pathogenic. Last evaluated: 2025-08-07. Review status: criteria provided, single submitter. Criteria: DASA Assertion Criteria. Collection method: clinical testing. Allele origin: germline.
Comment: NM_000271.5(NPC1):c.2292G>A (p.Ala764=) is a sequence variant. Functional evidence supports a deleterious effect on the gene or gene product (PMID: 11479732; PMID: 20718790; PMID: 32138288). This variant has been recurrently observed in individuals with related phenotype (PMID: 11479732; PMID: 20718790; PMID: 32138288). Multiple computational predictions support a deleterious effect on the gene or gene product. The variant is present at low frequency in population datasets. Based on the available data, this variant is classified as pathogenic.

Labcorp Genetics (formerly Invitae), Labcorp
Classification: Pathogenic for Niemann-Pick disease, type C1. Last evaluated: 2025-04-02. Review status: criteria provided, single submitter. Criteria: Invitae Variant Classification Sherloc (09022015). Collection method: clinical testing. Allele origin: germline.
Comment: This sequence change affects codon 764 of the NPC1 mRNA. It is a 'silent' change, meaning that it does not change the encoded amino acid sequence of the NPC1 protein. RNA analysis indicates that this variant induces altered splicing and likely results in the loss of Ala750_Gly765 amino acid residue(s), but is expected to preserve the integrity of the reading-frame. This variant is present in population databases (rs772565983, gnomAD 0.008%). This variant has been observed in individual(s) with Niemann-Pick type C (PMID: 11479732, 20718790, 32138288). This variant is also known as IVS16-82G>A, p.A750del16 or p.A750-G765del . ClinVar contains an entry for this variant (Variation ID: 593560). Studies have shown that this variant results in the activation of a cryptic splice site in Exon 15 (PMID: 11479732, 20718790). This variant disrupts the p.Ala764Val amino acid residue in NPC1. Other variant(s) that disrupt this residue have been determined to be pathogenic (PMID: 24676439, 26790753, 26910362). This suggests that this residue is clinically significant, and that variants that disrupt this residue are likely to be disease-causing. For these reasons, this variant has been classified as Pathogenic.

Mendelics
Classification: Pathogenic for Niemann-Pick disease, type C1. Last evaluated: 2019-05-28. Review status: criteria provided, single submitter. Criteria: Mendelics Assertion Criteria 2017. Collection method: clinical testing. Allele origin: unknown.

Eurofins Ntd Llc (ga)
Classification: Uncertain significance. Last evaluated: 2017-08-08. Review status: criteria provided, single submitter. Criteria: EGL Classification Definitions 2015. Collection method: clinical testing. Allele origin: germline. Observed: 2 variant alleles, 2 heterozygotes.

Juno Genomics, Hangzhou Juno Genomics, Inc
Classification: Pathogenic for Niemann-Pick disease, type C1. Review status: criteria provided, single submitter. Criteria: ACMG Guidelines, 2015. Collection method: clinical testing. Allele origin: germline. Affected: yes.
Comment: Absent from controls (or at extremely low frequency if recessive) in Genome Aggregation Database, Exome Sequencing Project, 1000 Genomes Project, or Exome Aggregation Consortium.;For recessive disorders, detected in trans with a pathogenic variant.;Well-established in vitro or in vivo functional studies supportive of a damaging effect on the gene or gene product.;Co-segregation with disease in multiple affected family members in a gene definitively known to cause the disease.

Natera, Inc.
Classification: Likely pathogenic for Niemann-Pick disease type C1. Last evaluated: 2020-07-28. Review status: no assertion criteria provided. Collection method: clinical testing. Allele origin: germline. Not counted in ClinVar's aggregate classification.

Literature cited by the submitters: PubMed 11479732 (cited by 3 submitters); PubMed 12955717 (cited by Mayo Clinic Laboratories, Mayo Clinic); PubMed 20718790 (cited by 3 submitters); PubMed 32138288 (cited by 3 submitters); PubMed 24676439 (cited by Labcorp Genetics (formerly Invitae), Labcorp); PubMed 26790753 (cited by Labcorp Genetics (formerly Invitae), Labcorp); PubMed 26910362 (cited by Labcorp Genetics (formerly Invitae), Labcorp).